The following is an entry in ClinVar:

ClinVar aggregate classification (germline): Uncertain significance (1 of 4 stars; one submission).

Allele frequency attached by ClinVar (database versions not stated): gnomAD exomes below 0.00001; gnomAD 0.00001; ExAC 0.00002; TOPMed 0.00002.
gnomAD v4.1: 8 of 1,614,124 alleles (0.0005%); highest among the groups gnomAD compares: East Asian, 0.0067%; no homozygotes.

Submission:

Labcorp Genetics (formerly Invitae), Labcorp
Classification: Uncertain significance. Last evaluated: 2024-06-05. Review status: criteria provided, single submitter. Criteria: Invitae Variant Classification Sherloc (09022015). Collection method: clinical testing. Allele origin: germline.
Comment: This sequence change replaces leucine, which is neutral and non-polar, with phenylalanine, which is neutral and non-polar, at codon 331 of the TUBB1 protein (p.Leu331Phe). This variant is present in population databases (rs758800483, gnomAD 0.02%). This variant has not been reported in the literature in individuals affected with TUBB1-related conditions. An algorithm developed to predict the effect of missense changes on protein structure and function (PolyPhen-2) suggests that this variant is likely to be disruptive. In summary, the available evidence is currently insufficient to determine the role of this variant in disease. Therefore, it has been classified as a Variant of Uncertain Significance.

NM_030773.4(TUBB1):c.991C>T (p.Leu331Phe)

Gene: TUBB1 (tubulin beta 1 class VI; plus strand). Cytogenetic location: 20q13.32.
Variant type: single nucleotide variant.
Coding change: c.991C>T on transcript NM_030773.4 (MANE Select); coding-DNA position 991, C replaced by T.
Protein change: p.Leu331Phe; replaces leucine 331 with phenylalanine.
Molecular consequence: missense variant.
Genome position (GRCh38, 1-based): chr20:59,024,418, C>T. VCF-style: chr20-59024418-C-T. GRCh37 (hg19) VCF-style: chr20-57599473-C-T.
Other names: short protein forms L331F.
Identifiers: ClinVar variation 3015237 (VCV003015237.3), dbSNP rs758800483, ClinGen allele CA9928633.
Genomic context (GRCh38, chr20:59,024,418, plus strand): 5'-CTCACAGTGGCCTGCATTTTCCGGGGCAAGATGTCCACCAAGGAAGTGGACCAGCAACTG[C>T]TCTCCGTGCAGACCAGGAACAGCAGCTGCTTTGTGGAGTGGATTCCCAACAACGTCAAGG-3'
Protein context (NP_110400.1, residues 321-341): MSTKEVDQQL[Leu331Phe]SVQTRNSSCF